The following is an entry in ClinVar:

ClinVar aggregate classification (germline): Pathogenic (1 of 4 stars; one submission).

Submission:

GeneDx
Classification: Pathogenic. Last evaluated: 2024-07-25. Review status: criteria provided, single submitter. Criteria: GeneDx Variant Classification Process June 2021. Collection method: clinical testing. Allele origin: germline. Affected: yes.
Comment: Nonsense variant predicted to result in protein truncation or nonsense mediated decay in a gene for which loss of function is a known mechanism of disease; Not observed at significant frequency in large population cohorts (gnomAD); This variant is associated with the following publications: (PMID: 38864239, 33971891)

NM_001270508.2(TNFAIP3):c.1135C>T (p.Gln379Ter)

Gene: TNFAIP3 (TNF alpha induced protein 3; plus strand). Cytogenetic location: 6q23.3.
Variant type: single nucleotide variant.
Coding change: c.1135C>T on transcript NM_001270508.2 (MANE Select); coding-DNA position 1135, C replaced by T.
Protein change: p.Gln379Ter; replaces glutamine 379 with a stop codon.
Molecular consequence: nonsense.
Genome position (GRCh38, 1-based): chr6:137,878,580, C>T. VCF-style: chr6-137878580-C-T. GRCh37 (hg19) VCF-style: chr6-138199717-C-T.
Other names: c.1135C>T, p.Gln379Ter (NM_001270507.2, NM_006290.4); short protein forms Q379*.
Identifiers: ClinVar variation 3600653 (VCV003600653.1).